The following is an entry in ClinVar:

ClinVar aggregate classification (germline): Likely pathogenic (1 of 4 stars; one submission).

Conditions:
Salla disease (SD). Also called: Less Severe FSASD (Salla Disease); Sialuria, Finnish type; N-acetylneuraminic acid (NANA) storage disease (NSD); Infantile sialic acid storage disorder (ISSD). Identifiers: Orphanet 309334, Orphanet 834, MedGen C1096903, MONDO:0011449, OMIM 604369.

Submission:

Natera, Inc.
Classification: Likely pathogenic for Salla disease. Last evaluated: 2025-09-16. Review status: criteria provided, single submitter. Criteria: Natera Variant Classification Schema (03/2026). Collection method: clinical testing. Allele origin: germline.
Comment: The c.1196C>G variant in SLC17A5 is a nonsense variant predicted to introduce a stop codon at amino acid 399. This variant is expected to result in nonsense mediated decay, truncation, or a dysfunctional protein product. This variant is rare in the general population with a frequency below the threshold expected for the associated phenotype(s). Given the available evidence, this variant is classified as Likely Pathogenic.

NM_012434.5(SLC17A5):c.1196C>G (p.Ser399Ter)

Gene: SLC17A5 (solute carrier family 17 member 5; minus strand). Cytogenetic location: 6q13.
Variant type: single nucleotide variant.
Coding change: c.1196C>G on transcript NM_012434.5 (MANE Select); coding-DNA position 1196, C replaced by G.
Protein change: p.Ser399Ter; replaces serine 399 with a stop codon.
Molecular consequence: nonsense.
Genome position (GRCh38, 1-based): chr6:73,610,463, G>C on the plus strand (C>G on the coding strand, the complement: SLC17A5 is on the minus strand). VCF-style: chr6-73610463-G-C. GRCh37 (hg19) VCF-style: chr6-74320186-G-C.
Other names: c.965C>G, p.Ser322Ter (NM_001382629.1); c.1196C>G, p.Ser399Ter (NM_001382630.1, NM_001382633.1); c.1217C>G, p.Ser406Ter (NM_001382631.1); c.1109C>G, p.Ser370Ter (NM_001382632.1); c.1037C>G, p.Ser346Ter (NM_001382634.1); c.1193C>G, p.Ser398Ter (NM_001382635.1); c.878C>G, p.Ser293Ter (NM_001382636.1); short protein forms S293*, S322*, S346*, S370*, S398*, S399*, S406*.
Identifiers: ClinVar variation 4815568 (VCV004815568.1).